The following is an entry in ClinVar:

ClinVar aggregate classification (germline): Uncertain significance. Review status: criteria provided, multiple submitters, no conflicts (2 of 4 stars). 2 submissions from 2 submitters: Uncertain significance (2). Last evaluated 2025-12-13.

Conditions:
Noonan syndrome (NS). Also called: Noonan's syndrome. Identifiers: Orphanet 648, MedGen C0028326, MeSH D009634, MONDO:0018997. Disease mechanism: gain of function.
RASopathy. Also called: Noonan spectrum disorder; rasopathies. Identifiers: Orphanet 536391, MedGen C5555857, MONDO:0021060.

Submissions (2):

Labcorp Genetics (formerly Invitae), Labcorp
Classification: Uncertain significance for RASopathy. Last evaluated: 2025-12-13. Review status: criteria provided, single submitter. Criteria: Invitae Variant Classification Sherloc (09022015). Collection method: clinical testing. Allele origin: germline.
Comment: This sequence change replaces leucine, which is neutral and non-polar, with phenylalanine, which is neutral and non-polar, at codon 79 of the NRAS protein (p.Leu79Phe). This variant is not present in population databases (gnomAD no frequency). This variant has not been reported in the literature in individuals affected with NRAS-related conditions. ClinVar contains an entry for this variant (Variation ID: 973284). Invitae Evidence Modeling of protein sequence and biophysical properties (such as structural, functional, and spatial information, amino acid conservation, physicochemical variation, residue mobility, and thermodynamic stability) indicates that this missense variant is expected to disrupt NRAS protein function with a positive predictive value of 95%. In summary, the available evidence is currently insufficient to determine the role of this variant in disease. Therefore, it has been classified as a Variant of Uncertain Significance.

Illumina Laboratory Services, Illumina
Classification: Uncertain significance for Noonan syndrome. Last evaluated: 2019-12-06. Review status: criteria provided, single submitter. Criteria: ICSLVariantClassificationCriteria RUGD 01 April 2020. Collection method: clinical testing. Allele origin: unknown.
Comment: The NRAS c.235C>T (p.Leu79Phe) variant is a missense variant. A literature search was performed for the gene, cDNA change, and amino acid change. No publications were found based on this search. This variant is not found in the Genome Aggregation Database in a region of good sequence coverage, so the variant is presumed to be rare. Based on the limited evidence, the p.Leu79Phe variant is classified as a variant of unknown significance for Noonan syndrome.

NM_002524.5(NRAS):c.235C>T (p.Leu79Phe)

Gene: NRAS (NRAS proto-oncogene, GTPase; minus strand). Cytogenetic location: 1p13.2.
Variant type: single nucleotide variant.
Coding change: c.235C>T on transcript NM_002524.5 (MANE Select); coding-DNA position 235, C replaced by T.
Protein change: p.Leu79Phe; replaces leucine 79 with phenylalanine.
Molecular consequence: missense variant.
Genome position (GRCh38, 1-based): chr1:114,713,855, G>A on the plus strand (C>T on the coding strand, the complement: NRAS is on the minus strand). VCF-style: chr1-114713855-G-A. GRCh37 (hg19) VCF-style: chr1-115256476-G-A.
Other names: short protein forms L79F.
Identifiers: ClinVar variation 973284 (VCV000973284.5), dbSNP rs1659097188, ClinGen allele CA341741503.